The following is an entry in ClinVar:

ClinVar aggregate classification (germline): Likely pathogenic (1 of 4 stars; one submission).

Conditions:
Autosomal recessive nonsyndromic hearing loss 8 (DFNB8). Also called: NEUROSENSORY NONSYNDROMIC RECESSIVE DEAFNESS 8; Deafness, autosomal recessive 10. Identifiers: Orphanet 90636, MedGen C1832827, MONDO:0010987, OMIM 601072.

Submission:

Institute of Rare Diseases, West China Hospital, Sichuan University
Classification: Likely pathogenic for Autosomal recessive nonsyndromic hearing loss 8. Last evaluated: 2025-01-09. Review status: criteria provided, single submitter. Criteria: ClinGen HL ACMG Specifications v1. Collection method: research. Allele origin: germline. Affected: yes.
Comment: PM3;PM5;PM2_Supporting;PP3

NM_001256317.3(TMPRSS3):c.311A>G (p.Glu104Gly)

Gene: TMPRSS3 (transmembrane serine protease 3; minus strand). Cytogenetic location: 21q22.3.
Variant type: single nucleotide variant.
Coding change: c.311A>G on transcript NM_001256317.3 (MANE Select); coding-DNA position 311, A replaced by G.
Protein change: p.Glu104Gly; replaces glutamic acid 104 with glycine.
Molecular consequence: missense variant. On other transcripts: 5 prime UTR variant (1).
Genome position (GRCh38, 1-based): chr21:42,388,940, T>C on the plus strand (A>G on the coding strand, the complement: TMPRSS3 is on the minus strand). VCF-style: chr21-42388940-T-C. GRCh37 (hg19) VCF-style: chr21-43809049-T-C.
Other names: c.311A>G, p.Glu104Gly (NM_024022.4, NM_032405.2); c.-71A>G (NM_032404.3); short protein forms E104G.
Identifiers: ClinVar variation 3601936 (VCV003601936.1).
Genomic context (GRCh38, chr21:42,388,940, plus strand): 5'-GCTTCTGCTGCTTCCTTCTGTTTCCCCAGGGGAAGAGCCATGACCTTACCACAGCGGTAC[T>C]CGTCCTCCCCGTCTTTGCAATCCGAGACTCCGTCACATCGAGCTATCAGCTCGATACACT-3'
Protein context (NP_001243246.1, residues 94-114): GVSDCKDGED[Glu104Gly]YRCVRVGGQN